The following is an entry in ClinVar:

NM_033109.5(PNPT1):c.995A>C (p.Asp332Ala)

Gene: PNPT1 (polyribonucleotide nucleotidyltransferase 1; minus strand). Cytogenetic location: 2p16.1.
Variant type: single nucleotide variant.
Coding change: c.995A>C on transcript NM_033109.5 (MANE Select); coding-DNA position 995, A replaced by C.
Protein change: p.Asp332Ala; replaces aspartic acid 332 with alanine.
Molecular consequence: missense variant.
Genome position (GRCh38, 1-based): chr2:55,667,940, T>G on the plus strand (A>C on the coding strand, the complement: PNPT1 is on the minus strand). VCF-style: chr2-55667940-T-G. GRCh37 (hg19) VCF-style: chr2-55895075-T-G.
Other names: short protein forms D332A.
Identifiers: ClinVar variation 1933750 (VCV001933750.2), dbSNP rs779991123, ClinGen allele CA346929484.

ClinVar aggregate classification (germline): Uncertain significance (1 of 4 stars; one submission).

Allele frequency attached by ClinVar (database versions not stated): TOPMed below 0.00001; gnomAD 0.00001.
gnomAD v4.1: 4 of 1,578,686 alleles (0.00025%); highest among the groups gnomAD compares: Non-Finnish European, 0.00034%; no homozygotes.

Submission:

Labcorp Genetics (formerly Invitae), Labcorp
Classification: Uncertain significance. Last evaluated: 2022-07-02. Review status: criteria provided, single submitter. Criteria: Invitae Variant Classification Sherloc (09022015). Collection method: clinical testing. Allele origin: germline.
Comment: This sequence change replaces aspartic acid, which is acidic and polar, with alanine, which is neutral and non-polar, at codon 332 of the PNPT1 protein (p.Asp332Ala). This variant is present in population databases (no rsID available, gnomAD 0.007%). This variant has not been reported in the literature in individuals affected with PNPT1-related conditions. Advanced modeling of protein sequence and biophysical properties (such as structural, functional, and spatial information, amino acid conservation, physicochemical variation, residue mobility, and thermodynamic stability) performed at Invitae indicates that this missense variant is not expected to disrupt PNPT1 protein function. In summary, the available evidence is currently insufficient to determine the role of this variant in disease. Therefore, it has been classified as a Variant of Uncertain Significance.